The following is an entry in ClinVar:

ClinVar aggregate classification (germline): Uncertain significance (1 of 4 stars; one submission).

Conditions:
Familial focal epilepsy with variable foci (FPEVF). Identifiers: Orphanet 98820, MedGen C1858477, MONDO:0020310.

Submission:

Labcorp Genetics (formerly Invitae), Labcorp
Classification: Uncertain significance for Familial focal epilepsy with variable foci. Last evaluated: 2024-10-25. Review status: criteria provided, single submitter. Criteria: Invitae Variant Classification Sherloc (09022015). Collection method: clinical testing. Allele origin: germline.
Comment: This variant, c.2199_2201dup, results in the insertion of 1 amino acid(s) of the DEPDC5 protein (p.Pro734dup), but otherwise preserves the integrity of the reading frame. This variant is not present in population databases (gnomAD no frequency). This variant has not been reported in the literature in individuals affected with DEPDC5-related conditions. ClinVar contains an entry for this variant (Variation ID: 2026050). Experimental studies and prediction algorithms are not available or were not evaluated, and the functional significance of this variant is currently unknown. In summary, the available evidence is currently insufficient to determine the role of this variant in disease. Therefore, it has been classified as a Variant of Uncertain Significance.

NM_001242896.3(DEPDC5):c.2199_2201dup (p.Pro734_Gly735insPro)

Gene: DEPDC5 (DEP domain containing 5, GATOR1 subcomplex subunit; plus strand). Cytogenetic location: 22q12.3.
Variant type: Duplication.
Coding change: c.2199_2201dup on transcript NM_001242896.3 (MANE Select); coding-DNA positions 2199 to 2201, 3 bases duplicated (GCC; older notation c.2199_2201dupGCC).
Protein change: p.Pro734_Gly735insPro.
Molecular consequence: inframe insertion. On other transcripts: non-coding transcript variant (4).
Genome position (GRCh38, 1-based): chr22:31,837,000-31,837,002, GCC duplicated. VCF-style (leftmost placement, unchanged base first): chr22-31836999-T-TGCC. GRCh37 (hg19) VCF-style: chr22-32232985-T-TGCC.
Other names: c.2172_2174dup, p.Pro725_Gly726insPro (NM_001136029.4, NM_001369903.1, NM_014662.6); c.1965_1967dup, p.Pro656_Gly657insPro (NM_001242897.2, NM_001363854.2, NM_001364319.2); c.2199_2201dup, p.Pro734_Gly735insPro (NM_001363852.2, NM_001364318.2, NM_001364320.2); c.2115_2117dup, p.Pro706_Gly707insPro (NM_001369901.1, NM_001369902.1).
Identifiers: ClinVar variation 2026050 (VCV002026050.4), dbSNP rs2519877055, ClinGen allele CA2580099612.